The following is an entry in ClinVar:

ClinVar aggregate classification (germline): Uncertain significance (1 of 4 stars; one submission).

Conditions:
Hereditary cancer-predisposing syndrome. Also called: Neoplastic Syndromes, Hereditary; Tumor predisposition; Hereditary neoplastic syndrome; Hereditary Cancer Syndrome. Identifiers: Orphanet 140162, MedGen C0027672, MeSH D009386, MONDO:0015356.
Familial thoracic aortic aneurysm and aortic dissection (TAAD). Also called: Thoracic aortic aneurysms and dissections. Identifiers: Orphanet 91387, MedGen C4707243, MONDO:0019625.

Submission:

Ambry Genetics
Classification: Uncertain significance for Hereditary cancer-predisposing syndrome; Familial thoracic aortic aneurysm and aortic dissection. Last evaluated: 2023-11-08. Review status: criteria provided, single submitter. Criteria: Ambry Variant Classification Scheme 2023. Collection method: clinical testing. Allele origin: germline.
Comment: The p.S155R variant (also known as c.465T>A), located in coding exon 4 of the SMAD4 gene, results from a T to A substitution at nucleotide position 465. The serine at codon 155 is replaced by arginine, an amino acid with dissimilar properties. This amino acid position is conserved. In addition, the in silico prediction for this alteration is inconclusive. Since supporting evidence is limited at this time, the clinical significance of this alteration remains unclear.

NM_005359.6(SMAD4):c.465T>A (p.Ser155Arg)

Gene: SMAD4 (SMAD family member 4; plus strand). Cytogenetic location: 18q21.2.
Variant type: single nucleotide variant.
Coding change: c.465T>A on transcript NM_005359.6 (MANE Select); coding-DNA position 465, T replaced by A.
Protein change: p.Ser155Arg; replaces serine 155 with arginine.
Molecular consequence: missense variant. On other transcripts: non-coding transcript variant (2).
Genome position (GRCh38, 1-based): chr18:51,054,791, T>A. VCF-style: chr18-51054791-T-A. GRCh37 (hg19) VCF-style: chr18-48581161-T-A.
Other names: c.465T>A, p.Ser155Arg (NM_001407041.1, NM_001407042.1, NM_001407043.1); short protein forms S155R.
Identifiers: ClinVar variation 3238417 (VCV003238417.1), dbSNP rs2144417797.